The following is an entry in ClinVar:

NM_015375.3(DSTYK):c.1094T>G (p.Val365Gly)

Gene: DSTYK (dual serine/threonine and tyrosine protein kinase; minus strand). Cytogenetic location: 1q32.1.
Variant type: single nucleotide variant.
Coding change: c.1094T>G on transcript NM_015375.3 (MANE Select); coding-DNA position 1094, T replaced by G.
Protein change: p.Val365Gly; replaces valine 365 with glycine.
Molecular consequence: missense variant.
Genome position (GRCh38, 1-based): chr1:205,169,393, A>C on the plus strand (T>G on the coding strand, the complement: DSTYK is on the minus strand). VCF-style: chr1-205169393-A-C. GRCh37 (hg19) VCF-style: chr1-205138521-A-C.
Other names: c.1094T>G, p.Val365Gly (NM_199462.3); short protein forms V365G.
Identifiers: ClinVar variation 5005604 (VCV005005604.2).

ClinVar aggregate classification (germline): Uncertain significance (1 of 4 stars; one submission).

Conditions:
Congenital anomalies of kidney and urinary tract 1. Also called: Renal hypodysplasia, nonsyndromic, 1; Congenital anomalies of kidney and urinary tract 1, susceptibility to. Identifiers: MedGen C1835826, MONDO:0012561, OMIM 610805.
Hereditary spastic paraplegia 23. Also called: SPASTIC PARAPARESIS, VITILIGO, PREMATURE GRAYING, CHARACTERISTIC FACIES; SPASTIC PARAPLEGIA WITH PIGMENTARY ABNORMALITIES; LISON SYNDROME. Identifiers: Orphanet 101003, MedGen C0796019, MONDO:0010046, OMIM 270750.

Submission:

Juno Genomics, Hangzhou Juno Genomics, Inc
Classification: Uncertain significance for Hereditary spastic paraplegia 23; Congenital anomalies of kidney and urinary tract 1. Review status: criteria provided, single submitter. Criteria: ACMG Guidelines, 2015. Collection method: clinical testing. Allele origin: germline.
Comment: Absent from controls (or at extremely low frequency if recessive) in Genome Aggregation Database.;Multiple lines of computational evidence support a deleterious effect on the gene or gene product.